The following is an entry in ClinVar:

NM_002303.6(LEPR):c.2674-5866C>G

Gene: LEPR (leptin receptor; plus strand). Cytogenetic location: 1p31.3.
Variant type: single nucleotide variant.
Coding change: c.2674-5866C>G on transcript NM_002303.6 (MANE Select); 5866 bases into the intron before coding-DNA position 2674, C replaced by G.
Molecular consequence: intron variant. On other transcripts: missense variant (2).
Genome position (GRCh38, 1-based): chr1:65,630,325, C>G. VCF-style: chr1-65630325-C-G. GRCh37 (hg19) VCF-style: chr1-66096008-C-G.
Other names: c.2797C>G, p.Leu933Val (NM_001003680.3, NM_001198687.2); c.2674-2827C>G (NM_001003679.3, NM_001198689.2); short protein forms L933V.
Identifiers: ClinVar variation 4985017 (VCV004985017.1).

ClinVar aggregate classification (germline): Uncertain significance (1 of 4 stars; one submission).

Conditions:
LEPR-related disorder. Also called: LEPR-related disorders; LEPR-related condition.

gnomAD v4.1: 1 of 231,492 alleles (0.00043%); highest among the groups gnomAD compares: East Asian, 0.015%; no homozygotes.

Submission:

PreventionGenetics, part of Exact Sciences
Classification: Uncertain significance for LEPR-related condition. Last evaluated: 2025-09-03. Review status: criteria provided, single submitter. Criteria: ACMG Guidelines, 2015. Collection method: clinical testing. Allele origin: germline.
Comment: The LEPR c.2797C>G variant is predicted to result in the amino acid substitution p.Leu933Val. To our knowledge, this variant has not been reported in the literature or in a large population database (gnomAD), indicating this variant is rare. At this time, the clinical significance of this variant is uncertain due to the absence of conclusive functional and genetic evidence.